The following is an entry in ClinVar:

NM_001378030.1(CCDC78):c.49C>G (p.Arg17Gly)

Gene: CCDC78 (coiled-coil domain containing 78; minus strand). Cytogenetic location: 16p13.3.
Variant type: single nucleotide variant.
Coding change: c.49C>G on transcript NM_001378030.1 (MANE Select); coding-DNA position 49, C replaced by G.
Protein change: p.Arg17Gly; replaces arginine 17 with glycine.
Molecular consequence: missense variant. On other transcripts: non-coding transcript variant (3), intron variant (1).
Genome position (GRCh38, 1-based): chr16:726,319, G>C on the plus strand (C>G on the coding strand, the complement: CCDC78 is on the minus strand). VCF-style: chr16-726319-G-C. GRCh37 (hg19) VCF-style: chr16-776319-G-C.
Other names: c.49C>G, p.Arg17Gly (NM_001031737.3, NM_001378031.1); c.-225-234C>G (NM_001378033.1); short protein forms R17G.
Identifiers: ClinVar variation 2037399 (VCV002037399.4), dbSNP rs1312171141, ClinGen allele CA394106285.

ClinVar aggregate classification (germline): Uncertain significance (1 of 4 stars; one submission).

Conditions:
Congenital myopathy with internal nuclei and atypical cores. Also called: Myopathy, centronuclear, 4. Identifiers: Orphanet 319160, MedGen C4707232, MONDO:0013890, OMIM 614807.

gnomAD v4.1: 19 of 1,548,156 alleles (0.0012%); highest among the groups gnomAD compares: East Asian, 0.0024%; no homozygotes.

Submission:

Labcorp Genetics (formerly Invitae), Labcorp
Classification: Uncertain significance for Congenital myopathy with internal nuclei and atypical cores. Last evaluated: 2022-10-18. Review status: criteria provided, single submitter. Criteria: Invitae Variant Classification Sherloc (09022015). Collection method: clinical testing. Allele origin: germline.
Comment: This variant has not been reported in the literature in individuals affected with CCDC78-related conditions. The frequency data for this variant in the population databases is considered unreliable, as metrics indicate poor data quality at this position in the gnomAD database. This sequence change replaces arginine, which is basic and polar, with glycine, which is neutral and non-polar, at codon 17 of the CCDC78 protein (p.Arg17Gly). Advanced modeling of protein sequence and biophysical properties (such as structural, functional, and spatial information, amino acid conservation, physicochemical variation, residue mobility, and thermodynamic stability) performed at Invitae indicates that this missense variant is not expected to disrupt CCDC78 protein function. In summary, the available evidence is currently insufficient to determine the role of this variant in disease. Therefore, it has been classified as a Variant of Uncertain Significance.